The following is an entry in ClinVar:

ClinVar aggregate classification (germline): Uncertain significance. Review status: criteria provided, multiple submitters, no conflicts (2 of 4 stars). 3 submissions from 3 submitters: Uncertain significance (3). Last evaluated 2024-12-29.

Conditions:
Hereditary cancer-predisposing syndrome. Also called: Neoplastic Syndromes, Hereditary; Tumor predisposition; Hereditary Cancer Syndrome; Hereditary neoplastic syndrome. Identifiers: Orphanet 140162, MedGen C0027672, MeSH D009386, MONDO:0015356.
Gastrointestinal stromal tumor. Also called: Gastrointestinal stromal tumor, somatic; Gastrointestinal stroma tumor. Identifiers: Orphanet 44890, MedGen C0238198, MeSH D046152, MONDO:0011719, OMIM 606764, HP:0100723.

gnomAD v4.1: 1 of 1,614,104 alleles (0.000062%); no homozygotes.

Submissions (3):

Labcorp Genetics (formerly Invitae), Labcorp
Classification: Uncertain significance for Gastrointestinal stromal tumor. Last evaluated: 2024-12-29. Review status: criteria provided, single submitter. Criteria: Invitae Variant Classification Sherloc (09022015). Collection method: clinical testing. Allele origin: germline.
Comment: This sequence change replaces histidine, which is basic and polar, with aspartic acid, which is acidic and polar, at codon 485 of the KIT protein (p.His485Asp). This variant is not present in population databases (gnomAD no frequency). This variant has not been reported in the literature in individuals affected with KIT-related conditions. ClinVar contains an entry for this variant (Variation ID: 2812174). An algorithm developed to predict the effect of missense changes on protein structure and function (PolyPhen-2) suggests that this variant is likely to be tolerated. In summary, the available evidence is currently insufficient to determine the role of this variant in disease. Therefore, it has been classified as a Variant of Uncertain Significance.

Ambry Genetics
Classification: Uncertain significance for Hereditary cancer-predisposing syndrome. Last evaluated: 2024-02-29. Review status: criteria provided, single submitter. Criteria: Ambry Variant Classification Scheme 2023. Collection method: clinical testing. Allele origin: germline.
Comment: The p.H485D variant (also known as c.1453C>G), located in coding exon 9 of the KIT gene, results from a C to G substitution at nucleotide position 1453. The histidine at codon 485 is replaced by aspartic acid, an amino acid with similar properties. This amino acid position is conserved. In addition, this alteration is predicted to be tolerated by in silico analysis. Based on the available evidence, the clinical significance of this alteration remains unclear.

GeneDx
Classification: Uncertain significance. Last evaluated: 2023-12-27. Review status: criteria provided, single submitter. Criteria: GeneDx Variant Classification Process June 2021. Collection method: clinical testing. Allele origin: germline. Affected: yes.
Comment: Not observed at significant frequency in large population cohorts (gnomAD); In silico analysis supports that this missense variant does not alter protein structure/function; Has not been previously published as pathogenic or benign to our knowledge

NM_000222.3(KIT):c.1453C>G (p.His485Asp)

Gene: KIT (KIT proto-oncogene, receptor tyrosine kinase; plus strand). Cytogenetic location: 4q12.
Variant type: single nucleotide variant.
Coding change: c.1453C>G on transcript NM_000222.3 (MANE Select); coding-DNA position 1453, C replaced by G.
Protein change: p.His485Asp; replaces histidine 485 with aspartic acid.
Molecular consequence: missense variant.
Genome position (GRCh38, 1-based): chr4:54,725,963, C>G. VCF-style: chr4-54725963-C-G. GRCh37 (hg19) VCF-style: chr4-55592129-C-G.
Other names: c.1453C>G, p.His485Asp (NM_001093772.2, NM_001385285.1, NM_001385286.1); c.1456C>G, p.His486Asp (NM_001385284.1, NM_001385288.1, NM_001385290.1 and 1 more transcripts); short protein forms H485D, H486D.
Identifiers: ClinVar variation 2812174 (VCV002812174.5), dbSNP rs1553891437, ClinGen allele CA356906430.
Genomic context (GRCh38, chr4:54,725,963, plus strand): 5'-TCTGGGCCACCGTTTGGAAAGCTAGTGGTTCAGAGTTCTATAGATTCTAGTGCATTCAAG[C>G]ACAATGGCACGGTTGAATGTAAGGCTTACAACGATGTGGGCAAGACTTCTGCCTATTTTA-3'
Protein context (NP_000213.1, residues 475-495): QSSIDSSAFK[His485Asp]NGTVECKAYN